The following is an entry in ClinVar:

ClinVar aggregate classification (germline): Uncertain significance. Review status: criteria provided, multiple submitters, no conflicts (2 of 4 stars). 2 submissions from 2 submitters: Uncertain significance (2). Last evaluated 2025-10-30.

Conditions:
Intellectual developmental disorder, autosomal dominant 1. Also called: Intellectual disability, autosomal dominant 1; MBD5 Haploinsufficiency. Identifiers: Orphanet 228402, MedGen C1969562, MONDO:0007974, OMIM 156200.
Inborn genetic diseases. Identifiers: MedGen C0950123, MeSH D030342.

Submissions (2):

Ambry Genetics
Classification: Uncertain significance for Inborn genetic diseases. Last evaluated: 2025-10-30. Review status: criteria provided, single submitter. Criteria: Ambry Variant Classification Scheme 2023. Collection method: clinical testing. Allele origin: germline.

Labcorp Genetics (formerly Invitae), Labcorp
Classification: Uncertain significance for Intellectual developmental disorder, autosomal dominant 1. Last evaluated: 2024-12-30. Review status: criteria provided, single submitter. Criteria: Invitae Variant Classification Sherloc (09022015). Collection method: clinical testing. Allele origin: germline.
Comment: This sequence change replaces glutamine, which is neutral and polar, with glutamic acid, which is acidic and polar, at codon 866 of the MBD5 protein (p.Gln866Glu). This variant is not present in population databases (gnomAD no frequency). This variant has not been reported in the literature in individuals affected with MBD5-related conditions. ClinVar contains an entry for this variant (Variation ID: 2119490). Invitae Evidence Modeling of protein sequence and biophysical properties (such as structural, functional, and spatial information, amino acid conservation, physicochemical variation, residue mobility, and thermodynamic stability) indicates that this missense variant is not expected to disrupt MBD5 protein function with a negative predictive value of 80%. In summary, the available evidence is currently insufficient to determine the role of this variant in disease. Therefore, it has been classified as a Variant of Uncertain Significance.

NM_001378120.1(MBD5):c.2596C>G (p.Gln866Glu)

Gene: MBD5 (methyl-CpG binding domain protein 5; plus strand). Cytogenetic location: 2q23.1.
Variant type: single nucleotide variant.
Coding change: c.2596C>G on transcript NM_001378120.1 (MANE Select); coding-DNA position 2596, C replaced by G.
Protein change: p.Gln866Glu; replaces glutamine 866 with glutamic acid.
Molecular consequence: missense variant.
Genome position (GRCh38, 1-based): chr2:148,483,187, C>G. VCF-style: chr2-148483187-C-G. GRCh37 (hg19) VCF-style: chr2-149240756-C-G.
Other names: c.2596C>G, p.Gln866Glu (NM_018328.5); c.2596C>G (NM_018328.4); short protein forms Q866E.
Identifiers: ClinVar variation 2119490 (VCV002119490.5), dbSNP rs948866518, ClinGen allele CA57592738.